The following is an entry in ClinVar:

ClinVar aggregate classification (germline): Pathogenic. Review status: reviewed by expert panel (3 of 4 stars). 2 submissions from 2 submitters: Pathogenic (1). 1 of the submissions does not count toward it. Last evaluated 2016-09-08.

Conditions:
Hereditary breast ovarian cancer syndrome. Also called: Hereditary breast and ovarian cancer; Breast and ovarian cancer; Hereditary breast and/or ovarian cancer syndrome; BRCA1- and BRCA2-Associated Hereditary Breast and Ovarian Cancer; Hereditary breast and ovarian cancer syndrome; Hereditary breast and ovarian cancer syndrome (HBOC). Identifiers: Orphanet 145, MedGen C0677776, MeSH D061325, MONDO:0003582. Disease mechanism: loss of function.
Breast-ovarian cancer, familial, susceptibility to, 2 (BROVCA2). Also called: BRCA2 Hereditary Breast and Ovarian Cancer. Identifiers: Orphanet 145, MedGen C2675520, MONDO:0012933, OMIM 612555. Disease mechanism: loss of function.

Submissions (2):

Evidence-based Network for the Interpretation of Germline Mutant Alleles (ENIGMA)
Classification: Pathogenic for Breast-ovarian cancer, familial, susceptibility to, 2. Last evaluated: 2016-09-08. Review status: reviewed by expert panel. Criteria: ENIGMA BRCA1/2 Classification Criteria (2015). Collection method: curation. Allele origin: germline.
Comment: Variant allele predicted to encode a truncated non-functional protein.

Labcorp Genetics (formerly Invitae), Labcorp
Classification: Pathogenic for Hereditary breast ovarian cancer syndrome. Last evaluated: 2023-07-03. Review status: criteria provided, single submitter. Criteria: Invitae Variant Classification Sherloc (09022015). Collection method: clinical testing. Allele origin: germline. Not counted in ClinVar's aggregate classification.
Comment: This variant is not present in population databases (gnomAD no frequency). This sequence change creates a premature translational stop signal (p.Lys2472Serfs*7) in the BRCA2 gene. It is expected to result in an absent or disrupted protein product. Loss-of-function variants in BRCA2 are known to be pathogenic (PMID: 20104584). For these reasons, this variant has been classified as Pathogenic. ClinVar contains an entry for this variant (Variation ID: 254603). This variant has not been reported in the literature in individuals affected with BRCA2-related conditions.

Literature cited by the submitters: PubMed 20104584 (cited by Labcorp Genetics (formerly Invitae), Labcorp).

NM_000059.4(BRCA2):c.7415del (p.Lys2472fs)

Gene: BRCA2 (BRCA2 DNA repair associated; plus strand). Cytogenetic location: 13q13.1.
Variant type: Deletion.
Coding change: c.7415del on transcript NM_000059.4 (MANE Select); coding-DNA position 7415, one base deleted (A; older notation c.7415delA).
Protein change: p.Lys2472fs; shifts the reading frame from lysine 2472.
Molecular consequence: frameshift variant.
Genome position (GRCh38, 1-based): chr13:32,355,268, A deleted; the last of 3 consecutive A bases (chr13:32,355,266-32,355,268); deleting any one gives the same sequence. VCF-style (leftmost placement, unchanged base first): chr13-32355265-CA-C. GRCh37 (hg19) VCF-style: chr13-32929402-CA-C.
Other names: c.7415delA (NM_000059.3); short protein forms K2472fs.
Identifiers: ClinVar variation 254603 (VCV000254603.8), dbSNP rs80359650, ClinGen allele CA10586574.